The following is an entry in ClinVar:

ClinVar aggregate classification (germline): Uncertain significance (1 of 4 stars; one submission).

Conditions:
Atypical hemolytic-uremic syndrome. Identifiers: Orphanet 2134, MedGen C2931788, MONDO:0016244.
Basal laminar drusen. Also called: DRUSEN OF BRUCH MEMBRANE; DRUSEN, CUTICULAR; DRUSEN, EARLY ADULT-ONSET, GROUPED. Identifiers: Orphanet 75376, MedGen C0730295, MONDO:0007472, OMIM 126700.
Factor H deficiency (CFHD). Also called: COMPLEMENT FACTOR H DEFICIENCY; CFH DEFICIENCY. Identifiers: Orphanet 200421, MedGen C0398777, MONDO:0012350, OMIM 609814.
Age related macular degeneration 4. Identifiers: MedGen C1853147, MONDO:0012540, OMIM 610698.

Submission:

Genomenon, Inc
Classification: Uncertain significance for Basal laminar drusen; Age related macular degeneration 4; Atypical hemolytic-uremic syndrome; Factor H deficiency. Last evaluated: 2025-10-02. Review status: criteria provided, single submitter. Criteria: Genomenon Sequence Variant Interpretation Standards - Updated. Collection method: curation. Allele origin: germline. Affected: no.
Comment: CFH p.Glu123Gly (c.368A>G) is a missense variant that changes the amino acid at residue 123 from Glutamic acid to Glycine. This variant has been reported in the published literature (PMID:27905547). It is absent or not present at a significant frequency in gnomAD. In silico models agree that this variant is not damaging. In conclusion, we classify CFH p.Glu123Gly (c.368A>G) as a variant of uncertain significance.

Literature cited by the submitters: PubMed 27905547.

NM_000186.4(CFH):c.368A>G (p.Glu123Gly)

Gene: CFH (complement factor H; plus strand). Cytogenetic location: 1q31.3.
Variant type: single nucleotide variant.
Coding change: c.368A>G on transcript NM_000186.4 (MANE Select); coding-DNA position 368, A replaced by G.
Protein change: p.Glu123Gly; replaces glutamic acid 123 with glycine.
Molecular consequence: missense variant.
Genome position (GRCh38, 1-based): chr1:196,676,006, A>G. VCF-style: chr1-196676006-A-G. GRCh37 (hg19) VCF-style: chr1-196645136-A-G.
Other names: c.368A>G, p.Glu123Gly (NM_001014975.3); short protein forms E123G.
Identifiers: ClinVar variation 4291680 (VCV004291680.1).